The following is an entry in ClinVar:

ClinVar aggregate classification (germline): Uncertain significance. Review status: criteria provided, multiple submitters, no conflicts (2 of 4 stars). 4 submissions from 3 submitters: Uncertain significance (4). Last evaluated 2024-01-10.

Conditions:
Cardiovascular phenotype. Identifiers: MedGen CN230736.
Hereditary cancer-predisposing syndrome. Also called: Hereditary Cancer Syndrome; Neoplastic Syndromes, Hereditary; Tumor predisposition; Hereditary neoplastic syndrome. Identifiers: Orphanet 140162, MedGen C0027672, MeSH D009386, MONDO:0015356.
Neurofibromatosis, type 1 (NF1). Also called: Neurofibromatosis, type I; VON RECKLINGHAUSEN DISEASE; NEUROFIBROMATOSIS, TYPE I, SOMATIC; Peripheral type neurofibromatosis. Identifiers: Orphanet 636, MedGen C0027831, MONDO:0018975, OMIM 162200. Disease mechanism: loss of function.

Submissions (4):

Labcorp Genetics (formerly Invitae), Labcorp
Classification: Uncertain significance for Neurofibromatosis, type 1. Last evaluated: 2024-01-10. Review status: criteria provided, single submitter. Criteria: Invitae Variant Classification Sherloc (09022015). Collection method: clinical testing. Allele origin: germline.
Comment: This sequence change replaces aspartic acid, which is acidic and polar, with glutamic acid, which is acidic and polar, at codon 2206 of the NF1 protein (p.Asp2206Glu). This variant is not present in population databases (gnomAD no frequency). This variant has not been reported in the literature in individuals affected with NF1-related conditions. ClinVar contains an entry for this variant (Variation ID: 231795). Advanced modeling of protein sequence and biophysical properties (such as structural, functional, and spatial information, amino acid conservation, physicochemical variation, residue mobility, and thermodynamic stability) performed at Invitae indicates that this missense variant is not expected to disrupt NF1 protein function with a negative predictive value of 95%. In summary, the available evidence is currently insufficient to determine the role of this variant in disease. Therefore, it has been classified as a Variant of Uncertain Significance.

Ambry Genetics
Classification: Uncertain significance for Cardiovascular phenotype; Hereditary cancer-predisposing syndrome. Last evaluated: 2022-12-27. Review status: criteria provided, single submitter. Criteria: Ambry General Variant Classification Scheme_2022. Collection method: clinical testing. Allele origin: germline.
Comment: The p.D2206E variant (also known as c.6618C>A), located in coding exon 43 of the NF1 gene, results from a C to A substitution at nucleotide position 6618. The aspartic acid at codon 2206 is replaced by glutamic acid, an amino acid with highly similar properties. This amino acid position is highly conserved in available vertebrate species. In addition, this alteration is predicted to be tolerated by in silico analysis. Since supporting evidence is limited at this time, the clinical significance of this alteration remains unclear.

Genome-Nilou Lab
Classification: Uncertain significance for Neurofibromatosis, type 1. Last evaluated: 2022-03-15. Review status: criteria provided, single submitter. Criteria: ACMG Guidelines, 2015. Collection method: clinical testing. Allele origin: germline. Affected: no.

Ambry Genetics
Classification: Uncertain significance for Hereditary cancer-predisposing syndrome. Last evaluated: 2015-05-11. Review status: criteria provided, single submitter. Criteria: Ambry Autosomal Dominant and X-Linked criteria (10/2015). Collection method: clinical testing. Allele origin: germline. Observed: 1 variant allele.
Comment: The p.D2227E variant (also known as c.6681C>A), located in coding exon 44 of the NF1 gene, results from a C to A substitution at nucleotide position 6681. The aspartic acid at codon 2227 is replaced by glutamic acid, an amino acid with highly similar properties. This variant was not reported in population based cohorts in the following databases: Database of Single Nucleotide Polymorphisms (dbSNP), NHLBI Exome Sequencing Project (ESP), and 1000 Genomes Project. In the ESP, this variant was not observed in 6503 samples (13006 alleles) with coverage at this position. To date, this alteration has been detected with an allele frequency of approximately 0.002% (greater than 55000alleles tested) in our clinical cohort.This amino acid position is highly conserved in available vertebrate species. In addition, this alteration is predicted to be tolerated by in silico analysis.Since supporting evidence is limited at this time, the clinical significance of p.D2227Eremains unclear.

NM_001042492.3(NF1):c.6681C>A (p.Asp2227Glu)

Gene: NF1 (neurofibromin 1; plus strand). Cytogenetic location: 17q11.2.
Variant type: single nucleotide variant.
Coding change: c.6681C>A on transcript NM_001042492.3 (MANE Select); coding-DNA position 6681, C replaced by A.
Protein change: p.Asp2227Glu; replaces aspartic acid 2227 with glutamic acid.
Molecular consequence: missense variant.
Genome position (GRCh38, 1-based): chr17:31,337,857, C>A. VCF-style: chr17-31337857-C-A. GRCh37 (hg19) VCF-style: chr17-29664875-C-A.
Other names: c.6618C>A, p.Asp2206Glu (NM_000267.4); short protein forms D2206E, D2227E.
Identifiers: ClinVar variation 231795 (VCV000231795.10), dbSNP rs876659371, ClinGen allele CA10580386.